The following is an entry in ClinVar:

NM_001127222.2(CACNA1A):c.4388+19A>G

Gene: CACNA1A (calcium voltage-gated channel subunit alpha1 A; minus strand). Cytogenetic location: 19p13.13.
Variant type: single nucleotide variant.
Coding change: c.4388+19A>G on transcript NM_001127222.2 (MANE Select); 19 bases into the intron after coding-DNA position 4388, A replaced by G.
Molecular consequence: intron variant.
Genome position (GRCh38, 1-based): chr19:13,259,545, T>C on the plus strand (A>G on the coding strand, the complement: CACNA1A is on the minus strand). VCF-style: chr19-13259545-T-C. GRCh37 (hg19) VCF-style: chr19-13370359-T-C.
Other names: c.4391+19A>G (NM_001127221.2, NM_001174080.2); c.4400+19A>G (NM_000068.4, NM_023035.3).
Identifiers: ClinVar variation 391309 (VCV000391309.1), dbSNP rs1057524029, ClinGen allele CA16608134.
Genomic context (GRCh38, chr19:13,259,545, plus strand): 5'-TTATTGCTAAGCTCTCAGGCCCTTTATCCTCCTGCTCCCCAGGGCTCCTCCTGGATAGAT[T>C]TCCAGTCGGGCCACTTACTGTGGCCAGCCTTCTCCCGTGGACACGGTGAAGAGGGTCAGC-3'

ClinVar aggregate classification (germline): Likely benign (1 of 4 stars; one submission).

Submission:

GeneDx
Classification: Likely benign. Last evaluated: 2016-11-28. Review status: criteria provided, single submitter. Criteria: GeneDx Variant Classification (06012015). Collection method: clinical testing. Allele origin: germline. Affected: yes.
Comment: This variant is considered likely benign or benign based on one or more of the following criteria: it is a conservative change, it occurs at a poorly conserved position in the protein, it is predicted to be benign by multiple in silico algorithms, and/or has population frequency not consistent with disease.